The following is an entry in ClinVar:

ClinVar aggregate classification (germline): Conflicting classifications of pathogenicity. Review status: criteria provided, conflicting classifications (1 of 4 stars). 6 submissions from 6 submitters: Uncertain significance (4); Likely benign (2). Last evaluated 2026-08-06.

Conditions:
BRCA2-related cancer predisposition. Identifiers: MedGen CN377758, MONDO:0700269.
Hereditary cancer-predisposing syndrome. Also called: Neoplastic Syndromes, Hereditary; Hereditary neoplastic syndrome; Hereditary Cancer Syndrome; Tumor predisposition. Identifiers: Orphanet 140162, MedGen C0027672, MeSH D009386, MONDO:0015356.
Familial prostate cancer. Also called: Hereditary Prostate Cancer. Identifiers: MedGen C2931456, MONDO:0700275, OMIM 176807.
Hereditary breast ovarian cancer syndrome. Also called: Breast and ovarian cancer; Hereditary breast and/or ovarian cancer syndrome; Hereditary breast and ovarian cancer syndrome; Hereditary breast and ovarian cancer syndrome (HBOC); Hereditary breast and ovarian cancer; BRCA1- and BRCA2-Associated Hereditary Breast and Ovarian Cancer. Identifiers: Orphanet 145, MedGen C0677776, MeSH D061325, MONDO:0003582. Disease mechanism: loss of function.

Allele frequency attached by ClinVar (database versions not stated): gnomAD exomes below 0.00001.
gnomAD v4.1: 2 of 1,603,092 alleles (0.00012%); highest among the groups gnomAD compares: Non-Finnish European, 0.00017%; no homozygotes.

Submissions (6):

OLLIN Analises Genomicas, OLLIN
Classification: Uncertain significance for Familial prostate cancer. Last evaluated: 2026-08-06. Review status: criteria provided, single submitter. Criteria: ACMG Guidelines 2015 PMID 25741868. Collection method: clinical testing. Allele origin: germline. Inheritance: Autosomal recessive inheritance.
Comment: This missense variant, located in exon 11 (of 27), has been reported in ClinVar (accession VCV000142616.15) and in gnomAD with an allele frequency of 0.00012%. However, to our knowledge, it has not been reported in the scientific literature. In silico analysis is inconclusive regarding the impact of this variant. According to the currently available evidence, this variant has been classified as uncertain significance (PM2_P).

Labcorp Genetics (formerly Invitae), Labcorp
Classification: Uncertain significance for Hereditary breast ovarian cancer syndrome. Last evaluated: 2026-01-27. Review status: criteria provided, single submitter. Criteria: Invitae Variant Classification Sherloc (09022015). Collection method: clinical testing. Allele origin: germline.
Comment: This sequence change replaces serine, which is neutral and polar, with arginine, which is basic and polar, at codon 646 of the BRCA2 protein (p.Ser646Arg). This variant is not present in population databases (gnomAD no frequency). This variant has not been reported in the literature in individuals affected with BRCA2-related conditions. ClinVar contains an entry for this variant (Variation ID: 142616). Invitae Evidence Modeling of protein sequence and biophysical properties (such as structural, functional, and spatial information, amino acid conservation, physicochemical variation, residue mobility, and thermodynamic stability) indicates that this missense variant is not expected to disrupt BRCA2 protein function with a negative predictive value of 95%. In summary, the available evidence is currently insufficient to determine the role of this variant in disease. Therefore, it has been classified as a Variant of Uncertain Significance.

Ambry Genetics
Classification: Likely benign for Hereditary cancer-predisposing syndrome. Last evaluated: 2024-11-20. Review status: criteria provided, single submitter. Criteria: Ambry Variant Classification Scheme 2023. Collection method: clinical testing. Allele origin: germline.

Quest Diagnostics Nichols Institute San Juan Capistrano
Classification: Uncertain significance. Last evaluated: 2024-03-22. Review status: criteria provided, single submitter. Criteria: Quest Diagnostics criteria. Collection method: clinical testing. Allele origin: unknown.
Comment: The BRCA2 c.1936A>C (p.Ser646Arg) variant has been reported in the published literature in a region of the BRCA2 gene that is tolerant to missense sequence changes (PMID: 31911673 (2020)). This variant has not been reported in large, multi-ethnic general populations (Genome Aggregation Database). Analysis of this variant using bioinformatics tools for the prediction of the effect of amino acid changes on protein structure and function yielded predictions that this variant is benign. Based on the available information, we are unable to determine the clinical significance of this variant.

Department of Pathology and Laboratory Medicine, Sinai Health System
Classification: Uncertain significance for BRCA2-related cancer predisposition. Last evaluated: 2023-08-28. Review status: criteria provided, single submitter. Criteria: ACMG Guidelines, 2015. Collection method: clinical testing. Allele origin: germline. Affected: no.

University of Washington Department of Laboratory Medicine, University of Washington
Classification: Likely benign for Hereditary cancer-predisposing syndrome. Last evaluated: 2023-03-23. Review status: criteria provided, single submitter. Criteria: Dines et al. (Genet Med. 2020). Collection method: curation. Allele origin: germline.
Comment: Missense variant in a coldspot region where missense variants are very unlikely to be pathogenic (PMID:31911673).

BRCA2 exon 11 coldspot. Reclassification based on statistical prior probability.

Literature cited by the submitters: PubMed 31911673 (cited by Quest Diagnostics Nichols Institute San Juan Capistrano).

NM_000059.4(BRCA2):c.1936A>C (p.Ser646Arg)

Gene: BRCA2 (BRCA2 DNA repair associated; plus strand). Cytogenetic location: 13q13.1.
Variant type: single nucleotide variant.
Coding change: c.1936A>C on transcript NM_000059.4 (MANE Select); coding-DNA position 1936, A replaced by C.
Protein change: p.Ser646Arg; replaces serine 646 with arginine.
Molecular consequence: missense variant.
Genome position (GRCh38, 1-based): chr13:32,336,291, A>C. VCF-style: chr13-32336291-A-C. GRCh37 (hg19) VCF-style: chr13-32910428-A-C.
Other names: short protein forms S646R.
Identifiers: ClinVar variation 142616 (VCV000142616.16), dbSNP rs587782589, ClinGen allele CA013962.